The following is an entry in ClinVar:

NR_027350.2(MIR17HG):n.1127A>G

Gene: MIR17HG (miR-17-92a-1 cluster host gene; plus strand). Cytogenetic location: 13q31.3.
Variant type: single nucleotide variant.
Genome position: GRCh38 VCF-style: chr13-91350551-A-G. GRCh37 (hg19) VCF-style: chr13-92002805-A-G.
Identifiers: ClinVar variation 3050195 (VCV003050195.2), dbSNP rs373341333, ClinGen allele CA254717545.

ClinVar aggregate classification (germline): Likely benign (0 of 4 stars; one submission).

Conditions:
MIR17HG-related disorder. Also called: MIR17HG-related condition.

Allele frequency attached by ClinVar (database versions not stated): 1000 Genomes Project 30x 0.00109; 1000 Genomes Project 0.00120; ESP Exome Variant Server 0.00131; gnomAD exomes 0.00170; gnomAD 0.00180; TOPMed 0.00187.
gnomAD v4.1: 940 of 532,734 alleles (0.18%); highest among the groups gnomAD compares: Non-Finnish European, 0.31%; 3 homozygotes.

Submission:

PreventionGenetics, part of Exact Sciences
Classification: Likely benign for MIR17HG-related condition. Last evaluated: 2021-01-21. Review status: no assertion criteria provided. Collection method: clinical testing. Allele origin: germline.
Comment: This variant is classified as likely benign based on ACMG/AMP sequence variant interpretation guidelines (Richards et al. 2015 PMID: 25741868, with internal and published modifications).